The following is an entry in ClinVar:

NC_000016.9:g.(?_16243990)_(16292059_?)del

Gene: ABCC6 (ATP binding cassette subfamily C member 6; minus strand). Cytogenetic location: 16p13.11.
Variant type: Deletion.
Identifiers: ClinVar variation 1363672 (VCV001363672.1).

ClinVar aggregate classification (germline): Pathogenic (1 of 4 stars; one submission).

Submission:

Labcorp Genetics (formerly Invitae), Labcorp
Classification: Pathogenic. Last evaluated: 2021-08-01. Review status: criteria provided, single submitter. Criteria: Invitae Variant Classification Sherloc (09022015). Collection method: clinical testing. Allele origin: germline.
Comment: This variant is a gross deletion of the genomic region encompassing exon(s) 10-31 of the ABCC6 gene. The 5' boundary is likely confined to intron 9. The 3' end of this event is unknown as it extends through the termination codon beyond the assayed region for this gene and may encompass additional genes. While this deletion is not anticipated to lead to nonsense mediated decay, it is expected to alter mRNA translation or result in a truncated protein product. This variant has not been reported in the literature in individuals affected with ABCC6-related conditions. This variant disrupts a region of the ABCC6 protein in which other variant(s) (Deletion (Exons 24-27)) have been determined to be pathogenic (PMID: 17823974, 25367056). This suggests that this is a clinically significant region of the protein, and that variants that disrupt it are likely to be disease-causing. For these reasons, this variant has been classified as Pathogenic.

Literature cited by the submitters: PubMed 17823974; PubMed 25367056.